The following is an entry in ClinVar:

NM_000140.5(FECH):c.835G>A (p.Glu279Lys)

Gene: FECH (ferrochelatase; minus strand). Cytogenetic location: 18q21.31.
Variant type: single nucleotide variant.
Coding change: c.835G>A on transcript NM_000140.5 (MANE Select); coding-DNA position 835, G replaced by A.
Protein change: p.Glu279Lys; replaces glutamic acid 279 with lysine.
Molecular consequence: missense variant.
Genome position (GRCh38, 1-based): chr18:57,554,922, C>T on the plus strand (G>A on the coding strand, the complement: FECH is on the minus strand). VCF-style: chr18-57554922-C-T. GRCh37 (hg19) VCF-style: chr18-55222154-C-T.
Other names: c.853G>A, p.Glu285Lys (NM_001012515.4); c.736G>A, p.Glu246Lys (NM_001371094.1); c.619G>A, p.Glu207Lys (NM_001371095.1); c.835G>A, p.Glu279Lys (NM_001374778.1); short protein forms E207K, E246K, E279K, E285K.
Identifiers: ClinVar variation 2631286 (VCV002631286.2), dbSNP rs2050849085, ClinGen allele CA402541420.

ClinVar aggregate classification (germline): Conflicting classifications of pathogenicity. Review status: criteria provided, conflicting classifications (1 of 4 stars). 2 submissions from 2 submitters: Likely pathogenic (1); Uncertain significance (1). Last evaluated 2024-07-30.

Conditions:
Protoporphyria, erythropoietic, 1 (EPP1). Also called: Erythropoietic Protoporphyria, Autosomal Recessive; FERROCHELATASE DEFICIENCY; HEME SYNTHETASE DEFICIENCY. Identifiers: Orphanet 79278, MedGen C4692546, MONDO:0008319, OMIM 177000.
FECH-related disorder. Also called: FECH-related condition.

Allele frequency attached by ClinVar (database versions not stated): gnomAD 0.00001.
gnomAD v4.1: 1 of 1,614,040 alleles (0.000062%); highest among the groups gnomAD compares: Non-Finnish European, 0.000085%; no homozygotes.

Submissions (2):

Department of Human Genetics, Hannover Medical School
Classification: Likely pathogenic for Protoporphyria, erythropoietic, 1. Last evaluated: 2024-07-30. Review status: criteria provided, single submitter. Criteria: ACMG Guidelines, 2015. Collection method: clinical testing. Allele origin: germline. Inheritance: Autosomal recessive inheritance. Affected: yes.

PreventionGenetics, part of Exact Sciences
Classification: Uncertain significance for FECH-related condition. Last evaluated: 2023-07-13. Review status: criteria provided, single submitter. Criteria: ACMG Guidelines, 2015. Collection method: clinical testing. Allele origin: germline.
Comment: The FECH c.835G>A variant is predicted to result in the amino acid substitution p.Glu279Lys. To our knowledge, this variant has not been reported in the literature or in a large population database, indicating this variant is rare. At this time, the clinical significance of this variant is uncertain due to the absence of conclusive functional and genetic evidence.